The following is an entry in ClinVar:

NM_007192.4(SUPT16H):c.2376GGA[1] (p.Glu794del)

Gene: SUPT16H (SPT16 homolog, facilitates chromatin remodeling subunit; minus strand). Cytogenetic location: 14q11.2.
Variant type: Microsatellite.
Coding change: c.2376GGA[1] on transcript NM_007192.4 (MANE Select); one copy of the 3-base unit GGA starting at c.2376; the reference has two copies in a row; one copy, 3 bases deleted; also written c.2379_2381del.
Protein change: p.Glu794del; deletes glutamic acid 794.
Molecular consequence: inframe deletion.
Genome position (GRCh38, 1-based): chr14:21,358,348-21,358,350, TCC deleted on the plus strand (GGA on the coding strand, the reverse complement: SUPT16H is on the minus strand); deleting any 3 consecutive bases within chr14:21,358,348-21,358,354 gives the same sequence; the position shown is the placement nearest the transcript's 3' end. VCF-style (leftmost placement, unchanged base first): chr14-21358347-TTCC-T. GRCh37 (hg19) VCF-style: chr14-21826506-TTCC-T.
Other names: c.2379_2381del (NM_007192.4); short protein forms E794del.
Identifiers: ClinVar variation 3775262 (VCV003775262.1).

ClinVar aggregate classification (germline): Uncertain significance (1 of 4 stars; one submission).

Conditions:
Neurodevelopmental disorder with dysmorphic facies and thin corpus callosum. Identifiers: MedGen C5551361, MONDO:0859179, OMIM 619480.

Submission:

3billion
Classification: Uncertain significance for Neurodevelopmental disorder with dysmorphic facies and thin corpus callosum. Last evaluated: 2023-07-11. Review status: criteria provided, single submitter. Criteria: ACMG Guidelines, 2015. Collection method: clinical testing. Allele origin: germline. Affected: yes.
Comment: The variant is not observed in the gnomAD v2.1.1 dataset. Predicted Consequence/Location: Inframe deletion located in a nonrepeat region: predicted to change the length of the protein and disrupt normal protein function. Therefore, this variant is classified as VUS according to the recommendation of ACMG/AMP guideline.